The following is an entry in ClinVar:

ClinVar aggregate classification (germline): Uncertain significance. Review status: criteria provided, multiple submitters, no conflicts (2 of 4 stars). 2 submissions from 2 submitters: Uncertain significance (2). Last evaluated 2022-05-29.

Allele frequency attached by ClinVar (database versions not stated): TOPMed below 0.00001; gnomAD 0.00002.
gnomAD v4.1: 4 of 1,613,886 alleles (0.00025%); highest among the groups gnomAD compares: African/African-American, 0.0053%; no homozygotes.

Submissions (2):

Labcorp Genetics (formerly Invitae), Labcorp
Classification: Uncertain significance. Last evaluated: 2022-05-29. Review status: criteria provided, single submitter. Criteria: Invitae Variant Classification Sherloc (09022015). Collection method: clinical testing. Allele origin: germline.
Comment: This sequence change replaces glutamic acid, which is acidic and polar, with alanine, which is neutral and non-polar, at codon 3305 of the USH2A protein (p.Glu3305Ala). This variant is present in population databases (no rsID available, gnomAD 0.01%). This variant has not been reported in the literature in individuals affected with USH2A-related conditions. Algorithms developed to predict the effect of missense changes on protein structure and function (SIFT, PolyPhen-2, Align-GVGD) all suggest that this variant is likely to be tolerated. In summary, the available evidence is currently insufficient to determine the role of this variant in disease. Therefore, it has been classified as a Variant of Uncertain Significance.

Blueprint Genetics
Classification: Uncertain significance. Last evaluated: 2021-10-06. Review status: criteria provided, single submitter. Criteria: ACMG Guidelines, 2015. Collection method: clinical testing. Allele origin: germline.

NM_206933.4(USH2A):c.9914A>C (p.Glu3305Ala)

Gene: USH2A (usherin; minus strand). Cytogenetic location: 1q41.
Variant type: single nucleotide variant.
Coding change: c.9914A>C on transcript NM_206933.4 (MANE Select); coding-DNA position 9914, A replaced by C.
Protein change: p.Glu3305Ala; replaces glutamic acid 3305 with alanine.
Molecular consequence: missense variant.
Genome position (GRCh38, 1-based): chr1:215,798,951, T>G on the plus strand (A>C on the coding strand, the complement: USH2A is on the minus strand). VCF-style: chr1-215798951-T-G. GRCh37 (hg19) VCF-style: chr1-215972293-T-G.
Other names: short protein forms E3305A.
Identifiers: ClinVar variation 1920595 (VCV001920595.3), dbSNP rs923721014, ClinGen allele CA37448510.